The following is an entry in ClinVar:

NM_002742.3(PRKD1):c.1438T>C (p.Ser480Pro)

Gene: PRKD1 (protein kinase D1; minus strand). Cytogenetic location: 14q12.
Variant type: single nucleotide variant.
Coding change: c.1438T>C on transcript NM_002742.3 (MANE Select); coding-DNA position 1438, T replaced by C.
Protein change: p.Ser480Pro; replaces serine 480 with proline.
Molecular consequence: missense variant.
Genome position (GRCh38, 1-based): chr14:29,630,976, A>G on the plus strand (T>C on the coding strand, the complement: PRKD1 is on the minus strand). VCF-style: chr14-29630976-A-G. GRCh37 (hg19) VCF-style: chr14-30100182-A-G.
Other names: c.1462T>C, p.Ser488Pro (NM_001330069.2); c.1174T>C, p.Ser392Pro (NM_001348390.1); short protein forms S480P, S392P, S488P.
Identifiers: ClinVar variation 2364745 (VCV002364745.26), dbSNP rs1879967756, ClinGen allele CA389335284.
Genomic context (GRCh38, chr14:29,630,976, plus strand): 5'-CTACATTTGCCGTAGTGATTTCGAAACAATGAGGATTGGCCCCATTAGGAATTAAAGCTG[A>G]AGTTTTTACTGGTTCCAGAGACAAAATTTCAGATAAAGGAATTTCCTGTGAAAGAAAAAA-3'
Protein context (NP_002733.2, residues 470-490): EILSLEPVKT[Ser480Pro]ALIPNGANPH

ClinVar aggregate classification (germline): Uncertain significance. Review status: criteria provided, multiple submitters, no conflicts (2 of 4 stars). 2 submissions from 2 submitters: Uncertain significance (2). Last evaluated 2023-02-01.

Allele frequency attached by ClinVar (database versions not stated): gnomAD exomes below 0.00001.
gnomAD v4.1: 8 of 1,613,606 alleles (0.0005%); highest among the groups gnomAD compares: African/African-American, 0.0053%; no homozygotes.

Submissions (2):

CeGaT Center for Human Genetics Tuebingen
Classification: Uncertain significance. Last evaluated: 2023-02-01. Review status: criteria provided, single submitter. Criteria: CeGaT Center For Human Genetics Tuebingen Variant Classification Criteria Version 2. Collection method: clinical testing. Allele origin: germline. Affected: yes. Observed: 1 variant allele.
Comment: PRKD1: PM2, BP4

Ambry Genetics
Classification: Uncertain significance. Last evaluated: 2022-07-06. Review status: criteria provided, single submitter. Criteria: Ambry Variant Classification Scheme 2023. Collection method: clinical testing. Allele origin: germline.